The following is an entry in ClinVar:

NM_032578.4(MYPN):c.3156C>T (p.His1052=)

Gene: MYPN (myopalladin; plus strand). Cytogenetic location: 10q21.3.
Variant type: single nucleotide variant.
Coding change: c.3156C>T on transcript NM_032578.4 (MANE Select); coding-DNA position 3156, C replaced by T.
Protein change: p.His1052=; no amino-acid change (histidine 1052 retained).
Molecular consequence: synonymous variant. On other transcripts: non-coding transcript variant (2).
Genome position (GRCh38, 1-based): chr10:68,195,530, C>T. VCF-style: chr10-68195530-C-T. GRCh37 (hg19) VCF-style: chr10-69955287-C-T.
Other names: c.3156C>T (NM_032578.2); c.3156C>T, p.His1052= (NM_001256267.2); c.2274C>T, p.His758= (NM_001256268.2).
Identifiers: ClinVar variation 229035 (VCV000229035.16), dbSNP rs876657923, ClinGen allele CA10576801.
Genomic context (GRCh38, chr10:68,195,530, plus strand): 5'-CCACTTGATGGTACAAAGTTTGCCCATTCGCAGTCGGCTAACCTCTGCTGGTCAGTCTCA[C>T]AGGTAAAGACAGTAAGAATTCCCCCTCTCTAGGCCCTTCCCAAGCACCTGCCCACTATCG-3'
Protein context (NP_115967.2, residues 1042-1062): RSRLTSAGQS[His1052=]RGRSRVQERD

ClinVar aggregate classification (germline): Conflicting classifications of pathogenicity. Review status: criteria provided, conflicting classifications (1 of 4 stars). 3 submissions from 3 submitters: Uncertain significance (2); Likely benign (1). Last evaluated 2026-09-10.

Conditions:
Cardiovascular phenotype. Identifiers: MedGen CN230736.
Dilated cardiomyopathy 1KK (CMD1KK). Identifiers: Orphanet 154, Orphanet 75249, MedGen C3714995, MONDO:0014100, OMIM 615248.

Allele frequency attached by ClinVar (database versions not stated): gnomAD 0.00001; gnomAD exomes 0.00001 and below 0.00001; TOPMed 0.00001.
gnomAD v4.1: 4 of 1,613,460 alleles (0.00025%); highest among the groups gnomAD compares: Admixed American, 0.005%; no homozygotes.

Submissions (3):

Ambry Genetics
Classification: Uncertain significance for Cardiovascular phenotype. Last evaluated: 2026-09-10. Review status: criteria provided, single submitter. Criteria: Ambry Variant Classification Scheme 2023. Collection method: clinical testing. Allele origin: germline.
Comment: The c.3156C>T variant (also known as p.H1052H), located in coding exon 14 of the MYPN gene, results from a C to T substitution at nucleotide position 3156. This nucleotide substitution does not change the histidine at codon 1052. This nucleotide position is well conserved in available vertebrate species. In silico splice site analysis predicts that this alteration may weaken the native splice donor site. Based on the available evidence, the clinical significance of this variant remains unclear.

Labcorp Genetics (formerly Invitae), Labcorp
Classification: Likely benign for Dilated cardiomyopathy 1KK. Last evaluated: 2022-10-24. Review status: criteria provided, single submitter. Criteria: Invitae Variant Classification Sherloc (09022015). Collection method: clinical testing. Allele origin: germline.

Laboratory for Molecular Medicine, Mass General Brigham Personalized Medicine
Classification: Uncertain significance. Last evaluated: 2015-05-07. Review status: criteria provided, single submitter. Criteria: LMM Criteria. Collection method: clinical testing. Allele origin: germline. Observed: 1 variant allele.
Comment: The p.His1052His variant in MYPN has not been previously reported in individuals with cardiomyopathy or in large population studies. This variant is located in the last three bases of the exon, which is part of the 5? splice region. Computa tional tools do not predict altered splicing. However, this information is not p redictive enough to rule out pathogenicity. In summary, the clinical significanc e of the p.His1052His variant is uncertain.